The following is an entry in ClinVar:

NM_000051.4(ATM):c.2789T>G (p.Leu930Ter)

Gene: ATM (ATM serine/threonine kinase; plus strand). Cytogenetic location: 11q22.3.
Variant type: single nucleotide variant.
Coding change: c.2789T>G on transcript NM_000051.4 (MANE Select); coding-DNA position 2789, T replaced by G.
Protein change: p.Leu930Ter; replaces leucine 930 with a stop codon.
Molecular consequence: nonsense.
Genome position (GRCh38, 1-based): chr11:108,268,560, T>G. VCF-style: chr11-108268560-T-G. GRCh37 (hg19) VCF-style: chr11-108139287-T-G.
Other names: c.2789T>G, p.Leu930Ter (NM_001351834.2); short protein forms L930*.
Identifiers: ClinVar variation 186898 (VCV000186898.22), dbSNP rs786203309, ClinGen allele CA196179.

ClinVar aggregate classification (germline): Pathogenic/Likely pathogenic. Review status: criteria provided, multiple submitters, no conflicts (2 of 4 stars). 10 submissions from 10 submitters: Pathogenic (8); Likely pathogenic (1). 1 of the submissions does not count toward it. Last evaluated 2026-04-09.

Conditions:
ATM-related disorder. Also called: ATM-related disorders; ATM-related condition.
Hereditary cancer-predisposing syndrome. Also called: Tumor predisposition; Neoplastic Syndromes, Hereditary; Hereditary neoplastic syndrome; Hereditary Cancer Syndrome. Identifiers: Orphanet 140162, MedGen C0027672, MeSH D009386, MONDO:0015356.
Ataxia-telangiectasia syndrome (AT). Also called: LOUIS-BAR SYNDROME; Ataxia-telangiectasia, complementation group D; AT, COMPLEMENTATION GROUP C; ATAXIA-TELANGIECTASIA, COMPLEMENTATION GROUP A; ATAXIA-TELANGIECTASIA, FRESNO VARIANT; Ataxia-telangiectasia. Identifiers: Orphanet 100, MedGen C0004135, MONDO:0008840, OMIM 208900.
Familial cancer of breast. Also called: BREAST CANCER, FAMILIAL; hereditary breast carcinoma; Hereditary breast cancer. Identifiers: Orphanet 227535, MedGen C0346153, MONDO:0016419, OMIM 114480. Disease mechanism: loss of function.

Allele frequency attached by ClinVar (database versions not stated): gnomAD exomes below 0.00001.
gnomAD v4.1: 5 of 1,614,076 alleles (0.00031%); highest among the groups gnomAD compares: Non-Finnish European, 0.00034%; no homozygotes.

Submissions (10):

Women's Health and Genetics/Laboratory Corporation of America, LabCorp
Classification: Pathogenic for Ataxia-telangiectasia syndrome. Last evaluated: 2026-04-09. Review status: criteria provided, single submitter. Criteria: LabCorp Variant Classification Summary - May 2015. Collection method: clinical testing. Allele origin: germline.
Comment: Variant summary: ATM c.2789T>G (p.Leu930X) results in a premature termination codon, predicted to cause absence of the protein due to nonsense mediated decay, which is a commonly known mechanism for disease. The variant was absent in 251432 control chromosomes (gnomAD). c.2789T>G has been observed in an individual affected with Ataxia-telangiectasia syndrome (Du_2008). The following publication has been ascertained in the context of this evaluation (PMID: 18321536). ClinVar contains an entry for this variant (Variation ID: 186898). Based on the evidence outlined above, the variant was classified as pathogenic.

Institute of Immunology and Genetics Kaiserslautern
Classification: Pathogenic for Familial cancer of breast. Last evaluated: 2026-03-11. Review status: criteria provided, single submitter. Criteria: ACMG Guidelines, 2015. Collection method: clinical testing. Allele origin: germline. Affected: yes.
Comment: ACMG Criteria: PVS1, PM2; PM3; Variant was found in heterozygous state.

Labcorp Genetics (formerly Invitae), Labcorp
Classification: Pathogenic for Ataxia-telangiectasia syndrome. Last evaluated: 2025-09-23. Review status: criteria provided, single submitter. Criteria: Invitae Variant Classification Sherloc (09022015). Collection method: clinical testing. Allele origin: germline.
Comment: This sequence change creates a premature translational stop signal (p.Leu930*) in the ATM gene. It is expected to result in an absent or disrupted protein product. Loss-of-function variants in ATM are known to be pathogenic (PMID: 23807571, 25614872). This variant is not present in population databases (gnomAD no frequency). This premature translational stop signal has been observed in individual(s) with ataxia-telangiectasia (PMID: 18321536). In at least one individual the data is consistent with being in trans (on the opposite chromosome) from a pathogenic variant. ClinVar contains an entry for this variant (Variation ID: 186898). For these reasons, this variant has been classified as Pathogenic.

Ambry Genetics
Classification: Pathogenic for Hereditary cancer-predisposing syndrome. Last evaluated: 2024-08-30. Review status: criteria provided, single submitter. Criteria: Ambry Variant Classification Scheme 2023. Collection method: clinical testing. Allele origin: germline.
Comment: The p.L930* pathogenic mutation (also known as c.2789T>G), located in coding exon 17 of the ATM gene, results from a T to G substitution at nucleotide position 2789. This changes the amino acid from a leucine to a stop codon within coding exon 17. This mutation has been detected in conjunction with another pathogenic ATM mutation in a patient with ataxia-telangiectasia (Du L et al. Mutat Res, 2008 Apr;640:139-44). This variant is considered to be rare based on population cohorts in the Genome Aggregation Database (gnomAD). In addition to the clinical data presented in the literature, this alteration is expected to result in loss of function by premature protein truncation or nonsense-mediated mRNA decay. As such, this alteration is interpreted as a disease-causing mutation.

Fulgent Genetics
Classification: Pathogenic for Familial cancer of breast; Ataxia-telangiectasia syndrome. Last evaluated: 2024-04-05. Review status: criteria provided, single submitter. Criteria: ACMG Guidelines, 2015. Collection method: clinical testing. Allele origin: germline.

Myriad Genetics, Inc.
Classification: Pathogenic for Familial cancer of breast. Last evaluated: 2024-01-18. Review status: criteria provided, single submitter. Criteria: Myriad Autosomal Dominant, Autosomal Recessive and X-Linked Classification Criteria (2023). Collection method: clinical testing. Allele origin: unknown.
Comment: This variant is considered pathogenic. This variant creates a termination codon and is predicted to result in premature protein truncation.

Department of Pathology and Laboratory Medicine, Sinai Health System
Classification: Pathogenic for Familial cancer of breast. Last evaluated: 2023-06-07. Review status: criteria provided, single submitter. Criteria: ACMG Guidelines, 2015. Collection method: research. Allele origin: germline.

Blueprint Genetics
Classification: Likely pathogenic for ATM-related disorders. Last evaluated: 2020-11-30. Review status: criteria provided, single submitter. Criteria: ACMG Guidelines, 2015. Collection method: clinical testing. Allele origin: germline. Affected: yes. Observed: 2 variant alleles.

Baylor Genetics
Classification: Pathogenic for Familial cancer of breast. Last evaluated: 2020-11-14. Review status: criteria provided, single submitter. Criteria: ACMG Guidelines, 2015. Collection method: clinical testing. Allele origin: unknown.

Counsyl
Classification: Likely pathogenic for Ataxia-telangiectasia syndrome. Last evaluated: 2016-05-06. Review status: no assertion criteria provided. Collection method: clinical testing. Allele origin: unknown. Not counted in ClinVar's aggregate classification.

Literature cited by the submitters: PubMed 18321536 (cited by 4 submitters); PubMed 23807571 (cited by Labcorp Genetics (formerly Invitae), Labcorp); PubMed 25614872 (cited by Labcorp Genetics (formerly Invitae), Labcorp).